The following is an entry in ClinVar:

NM_004984.4(KIF5A):c.1225A>G (p.Ile409Val)

Gene: KIF5A (kinesin family member 5A; plus strand). Cytogenetic location: 12q13.3.
Variant type: single nucleotide variant.
Coding change: c.1225A>G on transcript NM_004984.4 (MANE Select); coding-DNA position 1225, A replaced by G.
Protein change: p.Ile409Val; replaces isoleucine 409 with valine.
Molecular consequence: missense variant.
Genome position (GRCh38, 1-based): chr12:57,570,094, A>G. VCF-style: chr12-57570094-A-G. GRCh37 (hg19) VCF-style: chr12-57963877-A-G.
Other names: c.958A>G, p.Ile320Val (NM_001354705.2); short protein forms I320V, I409V.
Identifiers: ClinVar variation 1937901 (VCV001937901.5), dbSNP rs2540501661, ClinGen allele CA385504186.

ClinVar aggregate classification (germline): Uncertain significance (1 of 4 stars; one submission).

Conditions:
Spastic paraplegia. Identifiers: MedGen C0037772, HP:0001258.

Submission:

Labcorp Genetics (formerly Invitae), Labcorp
Classification: Uncertain significance for Spastic paraplegia. Last evaluated: 2022-04-08. Review status: criteria provided, single submitter. Criteria: Invitae Variant Classification Sherloc (09022015). Collection method: clinical testing. Allele origin: germline.
Comment: This sequence change replaces isoleucine, which is neutral and non-polar, with valine, which is neutral and non-polar, at codon 409 of the KIF5A protein (p.Ile409Val). This variant is not present in population databases (gnomAD no frequency). This variant has not been reported in the literature in individuals affected with KIF5A-related conditions. Advanced modeling of protein sequence and biophysical properties (such as structural, functional, and spatial information, amino acid conservation, physicochemical variation, residue mobility, and thermodynamic stability) performed at Invitae indicates that this missense variant is not expected to disrupt KIF5A protein function. In summary, the available evidence is currently insufficient to determine the role of this variant in disease. Therefore, it has been classified as a Variant of Uncertain Significance.